The following is an entry in ClinVar:

NM_001365088.1(SLC12A6):c.919G>A (p.Ala307Thr)

Gene: SLC12A6 (solute carrier family 12 member 6; minus strand). Cytogenetic location: 15q14.
Variant type: single nucleotide variant.
Coding change: c.919G>A on transcript NM_001365088.1 (MANE Select); coding-DNA position 919, G replaced by A.
Protein change: p.Ala307Thr; replaces alanine 307 with threonine.
Molecular consequence: missense variant.
Genome position (GRCh38, 1-based): chr15:34,254,547, C>T on the plus strand (G>A on the coding strand, the complement: SLC12A6 is on the minus strand). VCF-style: chr15-34254547-C-T. GRCh37 (hg19) VCF-style: chr15-34546748-C-T.
Other names: c.742G>A, p.Ala248Thr (NM_001042494.2, NM_001042495.2); c.892G>A, p.Ala298Thr (NM_001042496.2); c.874G>A, p.Ala292Thr (NM_001042497.2); c.766G>A, p.Ala256Thr (NM_005135.2); c.919G>A, p.Ala307Thr (NM_133647.2); short protein forms A298T, A248T, A256T, A292T, A307T.
Identifiers: ClinVar variation 2920574 (VCV002920574.4), dbSNP rs768838620, ClinGen allele CA391609636.

ClinVar aggregate classification (germline): Uncertain significance. Review status: criteria provided, multiple submitters, no conflicts (2 of 4 stars). 2 submissions from 2 submitters: Uncertain significance (2). Last evaluated 2026-04-20.

Conditions:
Inborn genetic diseases. Identifiers: MedGen C0950123, MeSH D030342.

Allele frequency attached by ClinVar (database versions not stated): gnomAD 0.00001.
gnomAD v4.1: 11 of 1,608,384 alleles (0.00068%); highest among the groups gnomAD compares: Middle Eastern, 0.033%; no homozygotes.

Submissions (2):

Ambry Genetics
Classification: Uncertain significance for Inborn genetic diseases. Last evaluated: 2026-04-20. Review status: criteria provided, single submitter. Criteria: Ambry Variant Classification Scheme 2023. Collection method: clinical testing. Allele origin: germline.
Comment: The c.919G>A (p.A307T) alteration is located in exon 8 (coding exon 8) of the SLC12A6 gene. This alteration results from a G to A substitution at nucleotide position 919, causing the alanine (A) at amino acid position 307 to be replaced by a threonine (T). Based on data from gnomAD, the A allele has an overall frequency of <0.001% (1/251414) total alleles studied. The highest observed frequency was <0.001% (/) of alleles. Based on insufficient or conflicting evidence, the clinical significance of this alteration remains unclear.

Labcorp Genetics (formerly Invitae), Labcorp
Classification: Uncertain significance. Last evaluated: 2025-03-26. Review status: criteria provided, single submitter. Criteria: Invitae Variant Classification Sherloc (09022015). Collection method: clinical testing. Allele origin: germline.
Comment: This sequence change replaces alanine, which is neutral and non-polar, with threonine, which is neutral and polar, at codon 307 of the SLC12A6 protein (p.Ala307Thr). This variant is present in population databases (no rsID available, gnomAD 0.004%). This variant has not been reported in the literature in individuals affected with SLC12A6-related conditions. ClinVar contains an entry for this variant (Variation ID: 2920574). Invitae Evidence Modeling of protein sequence and biophysical properties (such as structural, functional, and spatial information, amino acid conservation, physicochemical variation, residue mobility, and thermodynamic stability) indicates that this missense variant is not expected to disrupt SLC12A6 protein function with a negative predictive value of 80%. In summary, the available evidence is currently insufficient to determine the role of this variant in disease. Therefore, it has been classified as a Variant of Uncertain Significance.